The following is an entry in ClinVar:

ClinVar aggregate classification (germline): Uncertain significance. Review status: criteria provided, multiple submitters, no conflicts (2 of 4 stars). 3 submissions from 3 submitters: Uncertain significance (3). Last evaluated 2022-12-28.

Conditions:
Short-rib thoracic dysplasia 14 with polydactyly (SRTD14). Identifiers: Orphanet 397715, MedGen C4225286, MONDO:0014688, OMIM 616546.
Joubert syndrome 23 (JBTS23). Identifiers: Orphanet 475, MedGen C4084822, MONDO:0014664, OMIM 616490.
Inborn genetic diseases. Identifiers: MedGen C0950123, MeSH D030342.

Allele frequency attached by ClinVar (database versions not stated): gnomAD exomes below 0.00001; ExAC 0.00001.
gnomAD v4.1: 2 of 1,567,862 alleles (0.00013%); highest among the groups gnomAD compares: Admixed American, 0.0039%; no homozygotes.

Submissions (3):

Ambry Genetics
Classification: Uncertain significance for Inborn genetic diseases. Last evaluated: 2022-12-28. Review status: criteria provided, single submitter. Criteria: Ambry Variant Classification Scheme 2023. Collection method: clinical testing. Allele origin: germline.

GeneDx
Classification: Uncertain significance. Last evaluated: 2022-11-15. Review status: criteria provided, single submitter. Criteria: GeneDx Variant Classification Process June 2021. Collection method: clinical testing. Allele origin: germline. Affected: yes.
Comment: Not observed at significant frequency in large population cohorts (gnomAD); In silico analysis supports that this missense variant has a deleterious effect on protein structure/function; Has not been previously published as pathogenic or benign to our knowledge

Labcorp Genetics (formerly Invitae), Labcorp
Classification: Uncertain significance for Joubert syndrome 23; Short-rib thoracic dysplasia 14 with polydactyly. Last evaluated: 2022-07-21. Review status: criteria provided, single submitter. Criteria: Invitae Variant Classification Sherloc (09022015). Collection method: clinical testing. Allele origin: germline.
Comment: This sequence change replaces tyrosine, which is neutral and polar, with cysteine, which is neutral and slightly polar, at codon 134 of the KIAA0586 protein (p.Tyr134Cys). This variant is present in population databases (rs746136288, gnomAD 0.004%). This variant has not been reported in the literature in individuals affected with KIAA0586-related conditions. ClinVar contains an entry for this variant (Variation ID: 542187). Algorithms developed to predict the effect of missense changes on protein structure and function are either unavailable or do not agree on the potential impact of this missense change (SIFT: "Deleterious"; PolyPhen-2: "Probably Damaging"; Align-GVGD: "Class C0"). In summary, the available evidence is currently insufficient to determine the role of this variant in disease. Therefore, it has been classified as a Variant of Uncertain Significance.

NM_001329943.3(KIAA0586):c.365A>G (p.Tyr122Cys)

Gene: KIAA0586 (KIAA0586; plus strand). Cytogenetic location: 14q23.1.
Variant type: single nucleotide variant.
Coding change: c.365A>G on transcript NM_001329943.3 (MANE Select); coding-DNA position 365, A replaced by G.
Protein change: p.Tyr122Cys; replaces tyrosine 122 with cysteine.
Molecular consequence: missense variant.
Genome position (GRCh38, 1-based): chr14:58,432,412, A>G. VCF-style: chr14-58432412-A-G. GRCh37 (hg19) VCF-style: chr14-58899130-A-G.
Other names: c.401A>G, p.Tyr134Cys (NM_001244189.2); c.320A>G, p.Tyr107Cys (NM_001244190.2); c.110A>G, p.Tyr37Cys (NM_001244191.2, NM_001244192.2, NM_001329945.2 and 2 more transcripts); c.365A>G, p.Tyr122Cys (NM_001329944.2, NM_001329946.2, NM_001329947.2 and 1 more transcripts); c.365A>G (NM_014749.3); short protein forms Y122C, Y134C, Y37C, Y107C.
Identifiers: ClinVar variation 542187 (VCV000542187.7), dbSNP rs746136288, ClinGen allele CA7205355.
Genomic context (GRCh38, chr14:58,432,412, plus strand): 5'-GAATTTAATATATATTTTTGTGTCTTGATTTTGCAGCAAATGACATCTTCATTTCTCAGT[A>G]TACAATGGGACAGAAAGATGCTCTAAGAACAGTTTTAAAGCAAAAGTAAGTTTCATTTAC-3'
Protein context (NP_001316872.1, residues 112-132): QKANDIFISQ[Tyr122Cys]TMGQKDALRT